The following is an entry in ClinVar:

NM_006231.4(POLE):c.3264_3275+13del

Gene: POLE (DNA polymerase epsilon, catalytic subunit; minus strand). Cytogenetic location: 12q24.33.
Variant type: Deletion.
Coding change: c.3264_3275+13del on transcript NM_006231.4 (MANE Select); coding-DNA position 3264 through 13 bases into the intron after coding-DNA position 3275, 25 bases deleted (TGTCACGGAGAGGTGAGGGCTCCCC).
Molecular consequence: splice donor variant.
Genome position (GRCh38, 1-based): chr12:132,659,282-132,659,306, GGGGAGCCCTCACCTCTCCGTGACA deleted on the plus strand (TGTCACGGAGAGGTGAGGGCTCCCC on the coding strand, the reverse complement: POLE is on the minus strand); deleting any 25 consecutive bases within chr12:132,659,282-132,659,317 gives the same sequence; the c. name uses the placement nearest the transcript's 3' end. VCF-style (leftmost placement, unchanged base first): chr12-132659281-GGGGGAGCCCTCACCTCTCCGTGACA-G. GRCh37 (hg19) VCF-style: chr12-133235867-GGGGGAGCCCTCACCTCTCCGTGACA-G.
Other names: c.3264_3275+13del (NM_006231.2); c.3264_3275+13del25 (NM_006231.2); c.3264_3275+13delTGTCACGGAGAGGTGAGGGCTCCCC (NM_006231.3).
Identifiers: ClinVar variation 473580 (VCV000473580.25), dbSNP rs761516512, ClinGen allele CA6893321.
Genomic context (GRCh38, chr12:132,659,281, plus strand): 5'-CCGTGACGGAGGGAGCCCTCACCTGTCCGTGATGGGAGGAGCCCTCACCTCTCCGTGATG[GGGGGAGCCCTCACCTCTCCGTGACA>G]GGGGAGCCCTCGGGCTTGCGGGAGATGATGTAGCGGCAACTCAGCCCTGCATCCTTGACC-3'

ClinVar aggregate classification (germline): Conflicting classifications of pathogenicity. Review status: criteria provided, conflicting classifications (1 of 4 stars). 5 submissions from 5 submitters: Pathogenic (2); Likely pathogenic (2); Uncertain significance (1). Last evaluated 2026-01-07.

Conditions:
Hereditary cancer-predisposing syndrome. Also called: Neoplastic Syndromes, Hereditary; Tumor predisposition; Hereditary neoplastic syndrome; Hereditary Cancer Syndrome. Identifiers: Orphanet 140162, MedGen C0027672, MeSH D009386, MONDO:0015356.

Submissions (5):

Ambry Genetics
Classification: Uncertain significance for Hereditary cancer-predisposing syndrome. Last evaluated: 2026-01-07. Review status: criteria provided, single submitter. Criteria: Ambry Variant Classification Scheme 2023. Collection method: clinical testing. Allele origin: germline.
Comment: The c.3264_3275+13del25 variant results from a deletion of 25 nucleotides between positions 3264 and 3275+13 and involves the canonical splice donor site after coding exon 26 of the POLE gene. This variant has been identified in trans with a second POLE variant in an individual with features consistent with POLE deficiency (Logan CV et al. Am J Hum Genet, 2018 Dec;103:1038-1044). This variant is considered to be rare based on population cohorts in the Genome Aggregation Database (gnomAD). The canonical splice donor site is highly conserved in available vertebrate species. In silico splice site analysis predicts that this alteration will weaken the native splice donor site and may result in the creation or strengthening of a novel splice donor site; however, direct evidence is unavailable. Alterations that disrupt the canonical splice site are expected to cause aberrant splicing, resulting in an abnormal protein or a transcript that is subject to nonsense-mediated mRNA decay. Although biallelic loss of function of POLE has been associated with autosomal recessive POLE deficiency, haploinsufficiency of POLE has not been established as a mechanism of disease for POLE-related polymerase proofreading-associated polyposis (PPAP) and POLE-related CMMRD-like syndrome. Based on the supporting evidence, this variant is expected to be causative of POLE deficiency when present along with a second pathogenic variant on the other allele; however, its clinical significance for PPAP and POLE-related CMMRD-like syndrome is unclear.

Labcorp Genetics (formerly Invitae), Labcorp
Classification: Pathogenic. Last evaluated: 2025-11-17. Review status: criteria provided, single submitter. Criteria: Invitae Variant Classification Sherloc (09022015). Collection method: clinical testing. Allele origin: germline.
Comment: This variant results in the deletion of part of exon 26 (c.3264_3275+13del) of the POLE gene. RNA analysis indicates that this variant induces altered splicing and may result in an absent or altered protein product. This variant is present in population databases (rs761516512, gnomAD 0.01%). This variant has not been reported in the literature in individuals affected with POLE-related conditions. ClinVar contains an entry for this variant (Variation ID: 473580). Studies have shown that this variant results in activation of a cryptic splice site, and produces a non-functional protein and/or introduces a premature termination codon (internal data). For these reasons, this variant has been classified as Pathogenic.

Center for Genomic Medicine, Rigshospitalet, Copenhagen University Hospital
Classification: Likely pathogenic. Last evaluated: 2025-03-04. Review status: criteria provided, single submitter. Criteria: ACMG Guidelines, 2015. Collection method: clinical testing. Allele origin: germline.

GeneDx
Classification: Pathogenic. Last evaluated: 2023-12-17. Review status: criteria provided, single submitter. Criteria: GeneDx Variant Classification Process June 2021. Collection method: clinical testing. Allele origin: germline. Affected: yes.
Comment: Canonical splice site variant predicted to result in a null allele in a gene for which loss of function is a known mechanism of disease; Not observed at significant frequency in large population cohorts (gnomAD); This variant is associated with the following publications: (PMID: 34502317, 36395985, 35312039, 30503519)

Institute for Clinical Genetics, University Hospital TU Dresden, University Hospital TU Dresden
Classification: Likely pathogenic. Last evaluated: 2021-11-03. Review status: criteria provided, single submitter. Criteria: ACMG Guidelines, 2015. Collection method: clinical testing. Allele origin: germline.